The following is an entry in ClinVar:

ClinVar aggregate classification (germline): Uncertain significance (1 of 4 stars; one submission).

Conditions:
Progressive familial heart block type IB (PFHB1B). Identifiers: Orphanet 871, MedGen C1970298, MONDO:0011474, OMIM 604559.

gnomAD v4.1: 1 of 1,608,510 alleles (0.000062%); highest among the groups gnomAD compares: Non-Finnish European, 0.000085%; no homozygotes.

Submission:

Labcorp Genetics (formerly Invitae), Labcorp
Classification: Uncertain significance for Progressive familial heart block type IB. Last evaluated: 2024-11-24. Review status: criteria provided, single submitter. Criteria: Invitae Variant Classification Sherloc (09022015). Collection method: clinical testing. Allele origin: germline.
Comment: This sequence change replaces threonine, which is neutral and polar, with isoleucine, which is neutral and non-polar, at codon 67 of the TRPM4 protein (p.Thr67Ile). This variant is not present in population databases (gnomAD no frequency). This variant has not been reported in the literature in individuals affected with TRPM4-related conditions. An algorithm developed to predict the effect of missense changes on protein structure and function (PolyPhen-2) suggests that this variant is likely to be disruptive. In summary, the available evidence is currently insufficient to determine the role of this variant in disease. Therefore, it has been classified as a Variant of Uncertain Significance.

NM_017636.4(TRPM4):c.200C>T (p.Thr67Ile)

Gene: TRPM4 (transient receptor potential cation channel subfamily M member 4; plus strand). Cytogenetic location: 19q13.33.
Variant type: single nucleotide variant.
Coding change: c.200C>T on transcript NM_017636.4 (MANE Select); coding-DNA position 200, C replaced by T.
Protein change: p.Thr67Ile; replaces threonine 67 with isoleucine.
Molecular consequence: missense variant. On other transcripts: 5 prime UTR variant (1), intron variant (2).
Genome position (GRCh38, 1-based): chr19:49,166,148, C>T. VCF-style: chr19-49166148-C-T. GRCh37 (hg19) VCF-style: chr19-49669405-C-T.
Other names: c.200C>T, p.Thr67Ile (NM_001195227.2, NM_001321281.2); c.-1173C>T (NM_001321282.2); c.-74-2112C>T (NM_001321283.2); c.-237-2405C>T (NM_001321285.2); short protein forms T67I.
Identifiers: ClinVar variation 3615963 (VCV003615963.2).
Genomic context (GRCh38, chr19:49,166,148, plus strand): 5'-TGGCCATGGAGGATGCCTTCGGGGCAGCCGTGGTGACCGTGTGGGACAGCGATGCACACA[C>T]CACGGAGAAGCCCACCGATGCCTACGGAGAGCTGGACTTCACGGGGGCCGGCCGCAAGCA-3'
Protein context (NP_060106.2, residues 57-77): VVTVWDSDAH[Thr67Ile]TEKPTDAYGE